The following is an entry in ClinVar:

ClinVar aggregate classification (germline): Uncertain significance (1 of 4 stars; one submission).

Submission:

Ambry Genetics
Classification: Uncertain significance. Last evaluated: 2024-08-10. Review status: criteria provided, single submitter. Criteria: Ambry Variant Classification Scheme 2023. Collection method: clinical testing. Allele origin: germline.
Comment: The p.N250S variant (also known as c.749A>G), located in coding exon 8 of the PRKDC gene, results from an A to G substitution at nucleotide position 749. The asparagine at codon 250 is replaced by serine, an amino acid with highly similar properties. This amino acid position is conserved. In addition, this alteration is predicted to be tolerated by in silico analysis. Based on the available evidence, the clinical significance of this variant remains unclear.

NM_006904.7(PRKDC):c.749A>G (p.Asn250Ser)

Gene: PRKDC (protein kinase, DNA-activated, catalytic subunit; minus strand). Cytogenetic location: 8q11.21.
Variant type: single nucleotide variant.
Coding change: c.749A>G on transcript NM_006904.7 (MANE Select); coding-DNA position 749, A replaced by G.
Protein change: p.Asn250Ser; replaces asparagine 250 with serine.
Molecular consequence: missense variant.
Genome position (GRCh38, 1-based): chr8:47,944,002, T>C on the plus strand (A>G on the coding strand, the complement: PRKDC is on the minus strand). VCF-style: chr8-47944002-T-C. GRCh37 (hg19) VCF-style: chr8-48856562-T-C.
Other names: c.749A>G, p.Asn250Ser (NM_001081640.2); short protein forms N250S.
Identifiers: ClinVar variation 3425294 (VCV003425294.1).
Genomic context (GRCh38, chr8:47,944,002, plus strand): 5'-TAGAATAATATTAATAGTAATATTAATCCTACCTGAGGACGAATTGCCTTTAGTACAAAA[T>C]TAAAAATCTCCCTTGAAGTCTGGGGATCTAGGGAAATACCAAGAAGCCTGTTACAAATCG-3'
Protein context (NP_008835.5, residues 240-260): EDPQTSREIF[Asn250Ser]FVLKAIRPQI